The following is an entry in ClinVar:

ClinVar aggregate classification (germline): Conflicting classifications of pathogenicity. Review status: criteria provided, conflicting classifications (1 of 4 stars). 4 submissions from 4 submitters: Uncertain significance (3); Likely benign (1). Last evaluated 2026-06-25.

Conditions:
Hereditary nonpolyposis colorectal neoplasms. Identifiers: MedGen C0009405, MeSH D003123.
Hereditary cancer-predisposing syndrome. Also called: Tumor predisposition; Neoplastic Syndromes, Hereditary; Hereditary Cancer Syndrome; Hereditary neoplastic syndrome. Identifiers: Orphanet 140162, MedGen C0027672, MeSH D009386, MONDO:0015356.
Lynch syndrome 5 (LYNCH5). Also called: Colorectal cancer, hereditary nonpolyposis, type 5; Hereditary non-polyposis colorectal cancer, type 5. Identifiers: Orphanet 144, MedGen C1833477, MONDO:0013710, OMIM 614350. Disease mechanism: loss of function.

Allele frequency attached by ClinVar (database versions not stated): gnomAD 0.00001.
gnomAD v4.1: 4 of 1,614,042 alleles (0.00025%); highest among the groups gnomAD compares: Non-Finnish European, 0.00034%; no homozygotes.

Submissions (4):

Ambry Genetics
Classification: Uncertain significance for Hereditary cancer-predisposing syndrome. Last evaluated: 2026-06-25. Review status: criteria provided, single submitter. Criteria: Ambry Variant Classification Scheme 2023. Collection method: clinical testing. Allele origin: germline.
Comment: The p.R510K variant (also known as c.1529G>A), located in coding exon 4 of the MSH6 gene, results from a G to A substitution at nucleotide position 1529. The arginine at codon 510 is replaced by lysine, an amino acid with highly similar properties. This amino acid position is conserved. In addition, this alteration is predicted to be tolerated by in silico analysis. Based on the available evidence, the clinical significance of this variant remains unclear.

Labcorp Genetics (formerly Invitae), Labcorp
Classification: Likely benign for Hereditary nonpolyposis colorectal neoplasms. Last evaluated: 2025-08-20. Review status: criteria provided, single submitter. Criteria: Invitae Variant Classification Sherloc (09022015). Collection method: clinical testing. Allele origin: germline.

Molecular Pathology, Peter Maccallum Cancer Centre
Classification: Uncertain significance for Lynch syndrome 5. Last evaluated: 2025-01-03. Review status: criteria provided, single submitter. Criteria: ACMG Guidelines, 2015. Collection method: clinical testing. Allele origin: germline. Inheritance: Autosomal dominant inheritance.

Color Diagnostics, LLC DBA Color Health
Classification: Uncertain significance for Hereditary cancer-predisposing syndrome. Last evaluated: 2023-12-05. Review status: criteria provided, single submitter. Criteria: ACMG Guidelines, 2015. Collection method: clinical testing. Allele origin: germline.
Comment: This missense variant replaces arginine with lysine at codon 510 of the MSH6 protein. Computational prediction suggests that this variant may not impact protein structure and function (internally defined REVEL score threshold <= 0.5, PMID: 27666373). To our knowledge, functional studies have not been reported for this variant. This variant has not been reported in individuals affected with MSH6-related disorders in the literature. This variant has been identified in 1/31400 chromosomes in the general population by the Genome Aggregation Database (gnomAD). The available evidence is insufficient to determine the role of this variant in disease conclusively. Therefore, this variant is classified as a Variant of Uncertain Significance.

NM_000179.3(MSH6):c.1529G>A (p.Arg510Lys)

Gene: MSH6 (mutS homolog 6; plus strand). Cytogenetic location: 2p16.3.
Variant type: single nucleotide variant.
Coding change: c.1529G>A on transcript NM_000179.3 (MANE Select); coding-DNA position 1529, G replaced by A.
Protein change: p.Arg510Lys; replaces arginine 510 with lysine.
Molecular consequence: missense variant.
Genome position (GRCh38, 1-based): chr2:47,799,512, G>A. VCF-style: chr2-47799512-G-A. GRCh37 (hg19) VCF-style: chr2-48026651-G-A.
Other names: c.1139G>A, p.Arg380Lys (NM_001281492.2); c.623G>A, p.Arg208Lys (NM_001281493.2, NM_001281494.2); short protein forms R510K, R208K, R380K.
Identifiers: ClinVar variation 220545 (VCV000220545.17), dbSNP rs864622572, ClinGen allele CA348991.